The following is an entry in ClinVar:

NM_000660.7(TGFB1):c.973C>G (p.Pro325Ala)

Gene: TGFB1 (transforming growth factor beta 1; minus strand). Cytogenetic location: 19q13.2.
Variant type: single nucleotide variant.
Coding change: c.973C>G on transcript NM_000660.7 (MANE Select); coding-DNA position 973, C replaced by G.
Protein change: p.Pro325Ala; replaces proline 325 with alanine.
Molecular consequence: missense variant.
Genome position (GRCh38, 1-based): chr19:41,332,169, G>C on the plus strand (C>G on the coding strand, the complement: TGFB1 is on the minus strand). VCF-style: chr19-41332169-G-C. GRCh37 (hg19) VCF-style: chr19-41838074-G-C.
Other names: c.973C>G (NM_000660.6); short protein forms P325A.
Identifiers: ClinVar variation 1917611 (VCV001917611.6), dbSNP rs200209614, ClinGen allele CA9459938.

ClinVar aggregate classification (germline): Uncertain significance. Review status: criteria provided, multiple submitters, no conflicts (2 of 4 stars). 2 submissions from 2 submitters: Uncertain significance (2). Last evaluated 2026-09-09.

Conditions:
TGFB1-related disorder. Also called: TGFB1-related condition.

Allele frequency attached by ClinVar (database versions not stated): 1000 Genomes Project 0.00020; 1000 Genomes Project 30x 0.00031; ExAC 0.00001; TOPMed 0.00001; gnomAD 0.00003.
gnomAD v4.1: 5 of 1,614,144 alleles (0.00031%); highest among the groups gnomAD compares: African/African-American, 0.0053%; no homozygotes.

Submissions (2):

PreventionGenetics, part of Exact Sciences
Classification: Uncertain significance for TGFB1-related condition. Last evaluated: 2026-09-09. Review status: criteria provided, single submitter. Criteria: ACMG Guidelines, 2015. Collection method: clinical testing. Allele origin: germline.
Comment: The TGFB1 c.973C>G variant is predicted to result in the amino acid substitution p.Pro325Ala. To our knowledge, this variant has not been reported in the literature or in a large population database (gnomAD), indicating this variant is rare. At this time, the clinical significance of this variant is uncertain due to the absence of conclusive functional and genetic evidence.

Labcorp Genetics (formerly Invitae), Labcorp
Classification: Uncertain significance. Last evaluated: 2024-04-05. Review status: criteria provided, single submitter. Criteria: Invitae Variant Classification Sherloc (09022015). Collection method: clinical testing. Allele origin: germline.
Comment: This sequence change replaces proline, which is neutral and non-polar, with alanine, which is neutral and non-polar, at codon 325 of the TGFB1 protein (p.Pro325Ala). This variant is present in population databases (rs200209614, gnomAD no frequency). This variant has not been reported in the literature in individuals affected with TGFB1-related conditions. ClinVar contains an entry for this variant (Variation ID: 1917611). Advanced modeling of protein sequence and biophysical properties (such as structural, functional, and spatial information, amino acid conservation, physicochemical variation, residue mobility, and thermodynamic stability) performed at Invitae indicates that this missense variant is not expected to disrupt TGFB1 protein function with a negative predictive value of 80%. In summary, the available evidence is currently insufficient to determine the role of this variant in disease. Therefore, it has been classified as a Variant of Uncertain Significance.